The following is an entry in ClinVar:

ClinVar aggregate classification (germline): Likely benign. Review status: criteria provided, single submitter (1 of 4 stars). 2 submissions from 2 submitters: Likely benign (1). 1 of the submissions does not count toward it. Last evaluated 2025-12-21.

Conditions:
Myofibrillar myopathy 5. Also called: Filaminopathy (type); FILAMINOPATHY, AUTOSOMAL DOMINANT. Identifiers: Orphanet 171445, MedGen C1836050, MONDO:0012289, OMIM 609524.
Distal myopathy with posterior leg and anterior hand involvement. Also called: WILLIAMS DISTAL MYOPATHY. Identifiers: Orphanet 63273, MedGen C3279722, MONDO:0013550, OMIM 614065.
Hypertrophic cardiomyopathy 26. Also called: Cardiomyopathy, familial hypertrophic, 26. Identifiers: Orphanet 75249, MedGen C4310749, MONDO:0014883, OMIM 617047.
FLNC-related disorder. Also called: FLNC-related condition; FLNC-related disorders.

Allele frequency attached by ClinVar (database versions not stated): gnomAD exomes below 0.00001.
gnomAD v4.1: 5 of 1,613,876 alleles (0.00031%); highest among the groups gnomAD compares: Non-Finnish European, 0.00042%; no homozygotes.

Submissions (2):

Labcorp Genetics (formerly Invitae), Labcorp
Classification: Likely benign for Distal myopathy with posterior leg and anterior hand involvement; Myofibrillar myopathy 5; Hypertrophic cardiomyopathy 26. Last evaluated: 2025-12-21. Review status: criteria provided, single submitter. Criteria: Invitae Variant Classification Sherloc (09022015). Collection method: clinical testing. Allele origin: germline.

PreventionGenetics, part of Exact Sciences
Classification: Likely benign for FLNC-related condition. Last evaluated: 2020-11-23. Review status: no assertion criteria provided. Collection method: clinical testing. Allele origin: germline. Not counted in ClinVar's aggregate classification.
Comment: This variant is classified as likely benign based on ACMG/AMP sequence variant interpretation guidelines (Richards et al. 2015 PMID: 25741868, with internal and published modifications).

NM_001458.5(FLNC):c.6005-5C>T

Genes: FLNC (filamin C; plus strand), FLNC-AS1 (FLNC antisense RNA 1; minus strand). Cytogenetic location: 7q32.1.
Variant type: single nucleotide variant.
Coding change: c.6005-5C>T on transcript NM_001458.5 (MANE Select); 5 bases into the intron before coding-DNA position 6005, C replaced by T.
Molecular consequence: intron variant.
Genome position (GRCh38, 1-based): chr7:128,852,823, C>T. VCF-style: chr7-128852823-C-T. GRCh37 (hg19) VCF-style: chr7-128492877-C-T.
Other names: c.5906-5C>T (NM_001127487.2).
Identifiers: ClinVar variation 3032844 (VCV003032844.4), dbSNP rs2536659894, ClinGen allele CA2579014565.
Genomic context (GRCh38, chr7:128,852,823, plus strand): 5'-GGCCTCACGGGGACCTCAGGGGTGGGGGCCCACAGGATGCTCTGCCTAACACCCACTTTC[C>T]ACAGGGATCTCCTTCACCCCCAAGGAGGTCGGGGAGCACGTGGTGAGCGTGCGCAAGAGT-3'